The following is an entry in ClinVar:

ClinVar aggregate classification (germline): Uncertain significance. Review status: criteria provided, multiple submitters, no conflicts (2 of 4 stars). 2 submissions from 2 submitters: Uncertain significance (2). Last evaluated 2025-03-26.

Conditions:
BAP1-related tumor predisposition syndrome (TPDS1). Also called: BAP1 tumor predisposition syndrome; Tumor susceptibility linked to germline BAP1 mutations; COMMON Syndrome; TUMOR PREDISPOSITION SYNDROME 1. Identifiers: Orphanet 289539, MedGen C3280492, MONDO:0013692, OMIM 614327.
Hereditary cancer-predisposing syndrome. Also called: Hereditary Cancer Syndrome; Hereditary neoplastic syndrome; Neoplastic Syndromes, Hereditary; Tumor predisposition. Identifiers: Orphanet 140162, MedGen C0027672, MeSH D009386, MONDO:0015356.

Submissions (2):

Labcorp Genetics (formerly Invitae), Labcorp
Classification: Uncertain significance for BAP1-related tumor predisposition syndrome. Last evaluated: 2025-03-26. Review status: criteria provided, single submitter. Criteria: Invitae Variant Classification Sherloc (09022015). Collection method: clinical testing. Allele origin: germline.
Comment: This sequence change replaces glutamine, which is neutral and polar, with arginine, which is basic and polar, at codon 729 of the BAP1 protein (p.Gln729Arg). This variant is not present in population databases (gnomAD no frequency). This variant has not been reported in the literature in individuals affected with BAP1-related conditions. Invitae Evidence Modeling of protein sequence and biophysical properties (such as structural, functional, and spatial information, amino acid conservation, physicochemical variation, residue mobility, and thermodynamic stability) indicates that this missense variant is expected to disrupt BAP1 protein function with a positive predictive value of 80%. Algorithms developed to predict the effect of sequence changes on RNA splicing suggest that this variant may create or strengthen a splice site. In summary, the available evidence is currently insufficient to determine the role of this variant in disease. Therefore, it has been classified as a Variant of Uncertain Significance.

Ambry Genetics
Classification: Uncertain significance for Hereditary cancer-predisposing syndrome. Last evaluated: 2025-01-13. Review status: criteria provided, single submitter. Criteria: Ambry Variant Classification Scheme 2023. Collection method: clinical testing. Allele origin: germline.
Comment: The p.Q729R variant (also known as c.2186A>G), located in coding exon 17 of the BAP1 gene, results from an A to G substitution at nucleotide position 2186. The glutamine at codon 729 is replaced by arginine, an amino acid with highly similar properties. This amino acid position is conserved. In addition, this alteration is predicted to be tolerated by in silico analysis. Based on the available evidence, the clinical significance of this variant remains unclear.

NM_004656.4(BAP1):c.2186A>G (p.Gln729Arg)

Gene: BAP1 (BRCA1 associated deubiquitinase 1; minus strand). Cytogenetic location: 3p21.1.
Variant type: single nucleotide variant.
Coding change: c.2186A>G on transcript NM_004656.4 (MANE Select); coding-DNA position 2186, A replaced by G.
Protein change: p.Gln729Arg; replaces glutamine 729 with arginine.
Molecular consequence: missense variant.
Genome position (GRCh38, 1-based): chr3:52,402,292, T>C on the plus strand (A>G on the coding strand, the complement: BAP1 is on the minus strand). VCF-style: chr3-52402292-T-C. GRCh37 (hg19) VCF-style: chr3-52436308-T-C.
Other names: c.2132A>G, p.Gln711Arg (NM_001410772.1); short protein forms Q711R, Q729R.
Identifiers: ClinVar variation 3665711 (VCV003665711.3).